The following is an entry in ClinVar:

ClinVar aggregate classification (germline): Uncertain significance (1 of 4 stars; one submission).

Conditions:
Hereditary nonpolyposis colorectal neoplasms. Identifiers: MedGen C0009405, MeSH D003123.

Submission:

Labcorp Genetics (formerly Invitae), Labcorp
Classification: Uncertain significance for Hereditary nonpolyposis colorectal neoplasms. Last evaluated: 2016-04-01. Review status: criteria provided, single submitter. Criteria: Invitae Variant Classification Sherloc (09022015). Collection method: clinical testing. Allele origin: germline.
Comment: In summary, this variant is a novel missense change that is not predicted to affect protein function. There is no indication that it causes disease, but the available evidence is currently insufficient to prove that conclusively. Therefore, it has been classified as a Variant of Uncertain Significance. This variant is not present in population databases (ExAC no frequency) and has not been reported in the literature in individuals with a MSH6-related disease. Algorithms developed to predict the effect of missense changes on protein structure and function (SIFT, PolyPhen-2, Align-GVGD) all suggest that this variant is likely to be tolerated, but these predictions have not been confirmed by published functional studies. This sequence change replaces isoleucine with leucine at codon 251 of the MSH6 protein (p.Ile251Leu). The isoleucine residue is weakly conserved and there is a small physicochemical difference between isoleucine and leucine.

NM_000179.3(MSH6):c.751A>T (p.Ile251Leu)

Gene: MSH6 (mutS homolog 6; plus strand). Cytogenetic location: 2p16.3.
Variant type: single nucleotide variant.
Coding change: c.751A>T on transcript NM_000179.3 (MANE Select); coding-DNA position 751, A replaced by T.
Protein change: p.Ile251Leu; replaces isoleucine 251 with leucine.
Molecular consequence: missense variant. On other transcripts: 5 prime UTR variant (2).
Genome position (GRCh38, 1-based): chr2:47,798,734, A>T. VCF-style: chr2-47798734-A-T. GRCh37 (hg19) VCF-style: chr2-48025873-A-T.
Other names: c.361A>T, p.Ile121Leu (NM_001281492.2); c.-156A>T (NM_001281493.2, NM_001281494.2); short protein forms I251L, I121L.
Identifiers: ClinVar variation 410477 (VCV000410477.10), dbSNP rs554884560, ClinGen allele CA16611116.
Genomic context (GRCh38, chr2:47,798,734, plus strand): 5'-GTACAGCCTAAGACACAAGGATCTAGGCGAAGTAGCCGCCAAATAAAAAAACGAAGGGTC[A>T]TATCAGATTCTGAGAGTGACATTGGTGGCTCTGATGTGGAATTTAAGCCAGACACTAAGG-3'
Protein context (NP_000170.1, residues 241-261): SSRQIKKRRV[Ile251Leu]SDSESDIGGS